The following is an entry in ClinVar:

NM_000431.4(MVK):c.1043T>C (p.Leu348Pro)

Gene: MVK (mevalonate kinase; plus strand). Cytogenetic location: 12q24.11.
Variant type: single nucleotide variant.
Coding change: c.1043T>C on transcript NM_000431.4 (MANE Select); coding-DNA position 1043, T replaced by C.
Protein change: p.Leu348Pro; replaces leucine 348 with proline.
Molecular consequence: missense variant. On other transcripts: non-coding transcript variant (4).
Genome position (GRCh38, 1-based): chr12:109,596,429, T>C. VCF-style: chr12-109596429-T-C. GRCh37 (hg19) VCF-style: chr12-110034234-T-C.
Other names: c.1043T>C, p.Leu348Pro (NM_001114185.3, NM_001414511.1); c.887T>C, p.Leu296Pro (NM_001301182.2); c.1118T>C, p.Leu373Pro (NM_001414512.1); c.1054T>C, p.Trp352Arg (NM_001414513.1); c.898T>C, p.Trp300Arg (NM_001414514.1); c.461T>C, p.Leu154Pro (NM_001414515.1); short protein forms L154P, L296P, L348P, L373P, W300R, W352R.
Identifiers: ClinVar variation 4082106 (VCV004082106.1).
Genomic context (GRCh38, chr12:109,596,429, plus strand): 5'-GAGCTTCTCCCACGGAGCGGAGAGTTGTCAAGGGTGACCTGCCTTCCCTCCCCGCAGGGC[T>C]GGAGCAGCCAGAAGTGGAGGCCACGAAGCAGGCCCTGACCAGCTGTGGCTTTGACTGCTT-3'
Protein context (NP_000422.1, residues 338-358): GCGITLLKPG[Leu348Pro]EQPEVEATKQ

ClinVar aggregate classification (germline): Uncertain significance (1 of 4 stars; one submission).

Conditions:
Hyperimmunoglobulin D with periodic fever (HIDS). Also called: Hyperimmunoglobulinemia D; Hyperimmunoglobulinemia D with periodic fever; HYPERIMMUNOGLOBULINEMIA D AND PERIODIC FEVER SYNDROME. Identifiers: Orphanet 343, MedGen C0398691, MONDO:0009849, OMIM 260920.

Submission:

Kasturba Medical College, Manipal, Kasturba Medical College, Manipal, Manipal Academy of Higher Education, Manipal, India
Classification: Uncertain significance for Hyperimmunoglobulin D with periodic fever. Review status: criteria provided, single submitter. Criteria: ACMG Guidelines, 2015. Collection method: research. Allele origin: unknown. Inheritance: Autosomal recessive inheritance. Affected: yes. Observed: 1 homozygote.
Comment: This variant is absent in gnomAD population database and our in-house database of 1986 exomes. In-silico analysis tools, Mutation Taster predicts that the variant is disease causing.